The following is an entry in ClinVar:

ClinVar aggregate classification (germline): Benign/Likely benign. Review status: criteria provided, multiple submitters, no conflicts (2 of 4 stars). 9 submissions from 8 submitters: Benign (5); Likely benign (4). Last evaluated 2026-02-04.

Conditions:
Ehlers-Danlos syndrome, classic type, 1 (EDSCL1). Also called: Ehlers-Danlos syndrome, type 1; Ehlers-Danlos Syndrome, Classic Type, COL5A1-Related; EDS I; EHLERS-DANLOS SYNDROME, GRAVIS TYPE; EHLERS-DANLOS SYNDROME, SEVERE CLASSIC TYPE. Identifiers: MedGen C0268335, MONDO:0019567, OMIM 130000.
Fibromuscular dysplasia, multifocal. Identifiers: MedGen C5543412, MONDO:0859151, OMIM 619329.
Connective tissue disorder. Also called: Connective tissue disease. Identifiers: MedGen C0009782, MONDO:0003900.

Allele frequency attached by ClinVar (database versions not stated): 1000 Genomes Project 0.00020; 1000 Genomes Project 30x 0.00031; ESP Exome Variant Server 0.00035; ExAC 0.00045; gnomAD 0.00047 and 0.00048; TOPMed 0.00047; gnomAD exomes 0.00048.
gnomAD v4.1: 975 of 1,550,188 alleles (0.063%); highest among the groups gnomAD compares: Middle Eastern, 0.1%; 2 homozygotes.

Submissions (9):

Labcorp Genetics (formerly Invitae), Labcorp
Classification: Benign for Ehlers-Danlos syndrome, classic type, 1. Last evaluated: 2026-02-04. Review status: criteria provided, single submitter. Criteria: Invitae Variant Classification Sherloc (09022015). Collection method: clinical testing. Allele origin: germline.

ARUP Laboratories, Molecular Genetics and Genomics, ARUP Laboratories
Classification: Likely benign. Last evaluated: 2025-02-04. Review status: criteria provided, single submitter. Criteria: ARUP Molecular Germline Variant Investigation Process 2024. Collection method: clinical testing. Allele origin: germline.

Women's Health and Genetics/Laboratory Corporation of America, LabCorp
Classification: Benign. Last evaluated: 2024-11-12. Review status: criteria provided, single submitter. Criteria: LabCorp Variant Classification Summary - May 2015. Collection method: clinical testing. Allele origin: germline.
Comment: Variant summary: COL5A1 c.3906+20G>A alters a non-conserved nucleotide located at a position not widely known to affect splicing. Consensus agreement among computation tools predict no significant impact on normal splicing. However, these predictions have yet to be confirmed by functional studies. The variant allele was found at a frequency of 0.00048 in 153460 control chromosomes. The observed variant frequency is approximately 15 fold of the estimated maximal expected allele frequency for a pathogenic variant in COL5A1 causing Ehlers-Danlos Syndrome phenotype (3.1e-05). c.3906+20G>A has been reported in the literature in at-least individual affected with Ehlers-Danlos Syndrome without strong evidence for causality (ex.Schwarze_2000) . These report(s) do not provide unequivocal conclusions about association of the variant with Ehlers-Danlos Syndrome. To our knowledge, no experimental evidence demonstrating an impact on protein function has been reported. The following publication has been ascertained in the context of this evaluation (PMID: 10796876). ClinVar contains an entry for this variant (Variation ID: 136885). Based on the evidence outlined above, the variant was classified as benign.

Blueprint Genetics
Classification: Likely benign. Last evaluated: 2024-09-03. Review status: criteria provided, single submitter. Criteria: ACMG Guidelines, 2015. Collection method: clinical testing. Allele origin: germline.

Genome-Nilou Lab
Classification: Benign for Ehlers-Danlos syndrome, classic type, 1. Last evaluated: 2022-03-15. Review status: criteria provided, single submitter. Criteria: ACMG Guidelines, 2015. Collection method: clinical testing. Allele origin: germline. Affected: no.

Genome-Nilou Lab
Classification: Benign for Fibromuscular dysplasia, multifocal. Last evaluated: 2022-03-15. Review status: criteria provided, single submitter. Criteria: ACMG Guidelines, 2015. Collection method: clinical testing. Allele origin: germline. Affected: no.

Center for Human Genetics, Inc
Classification: Likely benign for Connective tissue disorder. Last evaluated: 2016-11-01. Review status: criteria provided, single submitter. Criteria: ACMG Guidelines, 2015. Collection method: clinical testing. Allele origin: germline. Affected: yes.

GeneDx
Classification: Benign. Last evaluated: 2014-03-01. Review status: criteria provided, single submitter. Criteria: GeneDx Variant Classification (06012015). Collection method: clinical testing. Allele origin: germline. Affected: yes.
Comment: This variant is considered likely benign or benign based on one or more of the following criteria: it is a conservative change, it occurs at a poorly conserved position in the protein, it is predicted to be benign by multiple in silico algorithms, and/or has population frequency not consistent with disease.

PreventionGenetics, part of Exact Sciences
Classification: Likely benign. Review status: criteria provided, single submitter. Criteria: ACMG Guidelines, 2015. Collection method: clinical testing. Allele origin: germline.

Literature cited by the submitters: PubMed 10796876 (cited by Women's Health and Genetics/Laboratory Corporation of America, LabCorp).

NM_000093.5(COL5A1):c.3906+20G>A

Gene: COL5A1 (collagen type V alpha 1 chain; plus strand). Cytogenetic location: 9q34.3.
Variant type: single nucleotide variant.
Coding change: c.3906+20G>A on transcript NM_000093.5 (MANE Select); 20 bases into the intron after coding-DNA position 3906, G replaced by A.
Molecular consequence: intron variant.
Genome position (GRCh38, 1-based): chr9:134,814,056, G>A. VCF-style: chr9-134814056-G-A. GRCh37 (hg19) VCF-style: chr9-137705902-G-A.
Other names: c.3906+20G>A (NM_001278074.1).
Identifiers: ClinVar variation 136885 (VCV000136885.23), dbSNP rs148053413, ClinGen allele CA290266.